The following is an entry in ClinVar:

ClinVar aggregate classification (germline): Pathogenic (1 of 4 stars; one submission).

Conditions:
Inherited MMR deficiency (Lynch syndrome).

Submission:

Genomics and Molecular Medicine Service, East Genomic Laboratory Hub, NHS Genomic Medicine Service
Classification: Pathogenic for Inherited MMR deficiency (Lynch syndrome). Last evaluated: 2024-04-24. Review status: criteria provided, single submitter. Criteria: ACGS Best Practice Guidelines for Variant Classification in Rare Disease 2020. Collection method: clinical testing. Allele origin: germline. Affected: yes.
Comment: PVS1,PM2,PP4

NM_000179.3(MSH6):c.2839_2840del (p.Glu946_Asn947insTer)

Gene: MSH6 (mutS homolog 6; plus strand). Cytogenetic location: 2p16.3.
Variant type: Deletion.
Coding change: c.2839_2840del on transcript NM_000179.3 (MANE Select); coding-DNA positions 2839 to 2840, 2 bases deleted (AA; older notation c.2839_2840delAA).
Protein change: p.Glu946_Asn947insTer.
Molecular consequence: nonsense. On other transcripts: non-coding transcript variant (5), intron variant (2).
Genome position (GRCh38, 1-based): chr2:47,800,822-47,800,823, AA deleted; deleting any 2 consecutive bases within chr2:47,800,820-47,800,823 gives the same sequence; the c. name uses the placement nearest the transcript's 3' end. VCF-style (leftmost placement, unchanged base first): chr2-47800819-GAA-G. GRCh37 (hg19) VCF-style: chr2-48027958-GAA-G.
Other names: c.2449_2450del, p.Glu816_Asn817insTer (NM_001281492.2); c.1933_1934del, p.Glu644_Asn645insTer (NM_001281493.2, NM_001281494.2, NM_001406811.1 and 6 more transcripts); c.2935_2936del, p.Glu978_Asn979insTer (NM_001406795.1, NM_001406802.1); c.2839_2840del, p.Glu946_Asn947insTer (NM_001406796.1, NM_001406798.1, NM_001406800.1 and 2 more transcripts); c.2542_2543del, p.Glu847_Asn848insTer (NM_001406797.1, NM_001406801.1, NM_001406805.1 and 10 more transcripts); c.2314_2315del, p.Glu771_Asn772insTer (NM_001406799.1, NM_001406806.1, NM_001406807.1); c.2761_2762del, p.Glu920_Asn921insTer (NM_001406804.1); c.2845_2846del, p.Glu948_Asn949insTer (NM_001406813.1); and 4 more.
Identifiers: ClinVar variation 3248647 (VCV003248647.1), dbSNP rs2530696539.
Genomic context (GRCh38, chr2:47,800,819, plus strand): 5'-CTTATTACTCCCAAAGCAGGCTTTGACTCTGATTATGACCAAGCTCTTGCTGACATAAGA[GAA>G]AATGAACAGAGCCTCCTGGAATACCTAGAGAAACAGCGCAACAGAATTGGCTGTAGGACC-3'